The following is an entry in ClinVar:

NM_000094.4(COL7A1):c.2440+1G>A

Gene: COL7A1 (collagen type VII alpha 1 chain; minus strand). Cytogenetic location: 3p21.31.
Variant type: single nucleotide variant.
Coding change: c.2440+1G>A on transcript NM_000094.4 (MANE Select); the canonical splice donor site of the intron after coding-DNA position 2440, G replaced by A.
Molecular consequence: splice donor variant.
Genome position (GRCh38, 1-based): chr3:48,588,869, C>T on the plus strand (G>A on the coding strand, the complement: COL7A1 is on the minus strand). VCF-style: chr3-48588869-C-T. GRCh37 (hg19) VCF-style: chr3-48626302-C-T.
Identifiers: ClinVar variation 2033267 (VCV002033267.4), dbSNP rs2531263293, ClinGen allele CA352720203.
Genomic context (GRCh38, chr3:48,588,869, plus strand): 5'-CAATGGTTAGGGGTGAGCAGTCCCAGCCAGGAAGGACAGGGGTGGCGTCAGGGAGCCATA[C>T]CTTCACTCCGGCCCCAGGCCAGTCTGTAAGCTGTGGCTCCAGTGACCCCTACCCAGGTGA-3'

ClinVar aggregate classification (germline): Pathogenic (1 of 4 stars; one submission).

gnomAD v4.1: 1 of 1,613,610 alleles (0.000062%); highest among the groups gnomAD compares: Non-Finnish European, 0.000085%; no homozygotes.

Submission:

Labcorp Genetics (formerly Invitae), Labcorp
Classification: Pathogenic. Last evaluated: 2022-09-28. Review status: criteria provided, single submitter. Criteria: Invitae Variant Classification Sherloc (09022015). Collection method: clinical testing. Allele origin: germline.
Comment: For these reasons, this variant has been classified as Pathogenic. Algorithms developed to predict the effect of sequence changes on RNA splicing suggest that this variant may disrupt the consensus splice site. Disruption of this splice site has been observed in individual(s) with autosomal recessive dystrophic epidermolysis bullosa (PMID: 27899325). This variant is not present in population databases (gnomAD no frequency). This sequence change affects a donor splice site in intron 18 of the COL7A1 gene. It is expected to disrupt RNA splicing. Variants that disrupt the donor or acceptor splice site typically lead to a loss of protein function (PMID: 16199547), and loss-of-function variants in COL7A1 are known to be pathogenic (PMID: 16971478).

Literature cited by the submitters: PubMed 27899325; PubMed 16199547; PubMed 16971478.